The following is an entry in ClinVar:

ClinVar aggregate classification (germline): Uncertain significance. Review status: criteria provided, multiple submitters, no conflicts (2 of 4 stars). 2 submissions from 2 submitters: Uncertain significance (2). Last evaluated 2023-05-29.

Conditions:
Angelman syndrome-like. Identifiers: MedGen CN128785.
Developmental and epileptic encephalopathy, 2 (DEE2). Also called: CDKL5 deficiency disorder; INFANTILE SPASM SYNDROME, X-LINKED 2. Identifiers: Orphanet 1934, Orphanet 3451, Orphanet 505652, MedGen C4750718, MONDO:0010396, OMIM 300672.

Allele frequency attached by ClinVar (database versions not stated): ExAC 0.00001.

Submissions (2):

Labcorp Genetics (formerly Invitae), Labcorp
Classification: Uncertain significance for Developmental and epileptic encephalopathy, 2; Angelman syndrome-like. Last evaluated: 2023-05-29. Review status: criteria provided, single submitter. Criteria: Invitae Variant Classification Sherloc (09022015). Collection method: clinical testing. Allele origin: germline.
Comment: This variant has not been reported in the literature in individuals affected with CDKL5-related conditions. This sequence change replaces asparagine, which is neutral and polar, with aspartic acid, which is acidic and polar, at codon 368 of the CDKL5 protein (p.Asn368Asp). This variant is not present in population databases (gnomAD no frequency). ClinVar contains an entry for this variant (Variation ID: 1806716). Advanced modeling of protein sequence and biophysical properties (such as structural, functional, and spatial information, amino acid conservation, physicochemical variation, residue mobility, and thermodynamic stability) has been performed at Invitae for this missense variant, however the output from this modeling did not meet the statistical confidence thresholds required to predict the impact of this variant on CDKL5 protein function. In summary, the available evidence is currently insufficient to determine the role of this variant in disease. Therefore, it has been classified as a Variant of Uncertain Significance.

GeneDx
Classification: Uncertain significance. Last evaluated: 2022-06-22. Review status: criteria provided, single submitter. Criteria: GeneDx Variant Classification Process June 2021. Collection method: clinical testing. Allele origin: germline. Affected: yes.
Comment: Not observed at significant frequency in large population cohorts (gnomAD); In silico analysis supports that this missense variant does not alter protein structure/function; Has not been previously published as pathogenic or benign to our knowledge

NM_001323289.2(CDKL5):c.1102A>G (p.Asn368Asp)

Gene: CDKL5 (cyclin dependent kinase like 5; plus strand). Cytogenetic location: Xp22.13.
Variant type: single nucleotide variant.
Coding change: c.1102A>G on transcript NM_001323289.2 (MANE Select); coding-DNA position 1102, A replaced by G.
Protein change: p.Asn368Asp; replaces asparagine 368 with aspartic acid.
Molecular consequence: missense variant.
Genome position (GRCh38, 1-based): chrX:18,604,026, A>G. VCF-style: chrX-18604026-A-G. GRCh37 (hg19) VCF-style: chrX-18622146-A-G.
Other names: c.1102A>G, p.Asn368Asp (NM_001037343.2, NM_003159.3); short protein forms N368D.
Identifiers: ClinVar variation 1806716 (VCV001806716.4), dbSNP rs764955063, ClinGen allele CA10360351.